The following is an entry in ClinVar:

NM_006030.4(CACNA2D2):c.2696dup (p.His899fs)

Genes: CACNA2D2 (calcium voltage-gated channel auxiliary subunit alpha2delta 2; minus strand), LOC101928965 (uncharacterized LOC101928965; plus strand), LOC127898564 (CYB561D2-LOC101928965; plus strand). Cytogenetic location: 3p21.31.
Variant type: Duplication.
Coding change: c.2696dup on transcript NM_006030.4 (MANE Select); coding-DNA position 2696, one base duplicated (A; older notation c.2696dupA).
Protein change: p.His899fs; shifts the reading frame from histidine 899.
Molecular consequence: frameshift variant. On other transcripts: non-coding transcript variant (1).
Genome position (GRCh38, 1-based): chr3:50,366,280, T duplicated on the plus strand (A on the coding strand, the reverse complement: CACNA2D2 is on the minus strand). VCF-style (leftmost placement, unchanged base first): chr3-50366279-A-AT. GRCh37 (hg19) VCF-style: chr3-50403710-A-AT.
Other names: c.2696dup, p.His899fs (NM_001005505.3); c.2717dup, p.His906fs (NM_001174051.3); c.2489dup, p.His830fs (NM_001291101.1); c.2699dup, p.His900fs (NM_001410768.1); short protein forms H906fs, H830fs, H900fs, H899fs.
Identifiers: ClinVar variation 2816330 (VCV002816330.3), dbSNP rs2470981373, ClinGen allele CA2739278009.
Genomic context (GRCh38, chr3:50,366,279, plus strand): 5'-AAGGCTCAAATCCCTACTCTCTTCTTTCACTCTCTTCCTGATCCTCACCTGGTCCCACTG[A>AT]TGGTTCTGGTTTGACAGCACCAGGAATCCTCCATCATCAATGAGGACACAGAGTAAGTCC-3'

ClinVar aggregate classification (germline): Pathogenic (1 of 4 stars; one submission).

Conditions:
Early-infantile DEE. Also called: Early infantile epileptic encephalopathy; Early infantile epileptic encephalopathy with suppression bursts; Ohtahara syndrome. Identifiers: Orphanet 1934, MedGen C0393706, MONDO:0800491.

Submission:

Labcorp Genetics (formerly Invitae), Labcorp
Classification: Pathogenic for Early-infantile DEE. Last evaluated: 2022-11-24. Review status: criteria provided, single submitter. Criteria: Invitae Variant Classification Sherloc (09022015). Collection method: clinical testing. Allele origin: germline.
Comment: This sequence change creates a premature translational stop signal (p.His899Glnfs*12) in the CACNA2D2 gene. It is expected to result in an absent or disrupted protein product. Loss-of-function variants in CACNA2D2 are known to be pathogenic (PMID: 24358150). This variant is not present in population databases (gnomAD no frequency). This variant has not been reported in the literature in individuals affected with CACNA2D2-related conditions. For these reasons, this variant has been classified as Pathogenic.

Literature cited by the submitters: PubMed 24358150.